The following is an entry in ClinVar:

NM_018294.6(CWF19L1):c.23+6T>C

Gene: CWF19L1 (CWF19 like cell cycle control factor 1; minus strand). Cytogenetic location: 10q24.31.
Variant type: single nucleotide variant.
Coding change: c.23+6T>C on transcript NM_018294.6 (MANE Select); 6 bases into the intron after coding-DNA position 23, T replaced by C.
Molecular consequence: intron variant. On other transcripts: 5 prime UTR variant (1).
Genome position (GRCh38, 1-based): chr10:100,267,565, A>G on the plus strand (T>C on the coding strand, the complement: CWF19L1 is on the minus strand). VCF-style: chr10-100267565-A-G. GRCh37 (hg19) VCF-style: chr10-102027322-A-G.
Other names: c.-428T>C (NM_001303405.2); c.-123+6T>C (NM_001303406.2); c.-482+6T>C (NM_001303407.2); c.23+6T>C (NM_001303404.2).
Identifiers: ClinVar variation 1016517 (VCV001016517.7), dbSNP rs1847643564, ClinGen allele CA1931684721.
Genomic context (GRCh38, chr10:100,267,565, plus strand): 5'-CCCGTGTCGTCACCTACACACACGAAAGAGACACAGGGAGAGAGGCTTCCATTCACGGTC[A>G]CTCACAGGCGCAGCGGTTTCTGTGCCATCTGTCCGAATAGTATGGGTTGCGACTGCCACC-3'

ClinVar aggregate classification (germline): Uncertain significance (1 of 4 stars; one submission).

Submission:

Labcorp Genetics (formerly Invitae), Labcorp
Classification: Uncertain significance. Last evaluated: 2018-05-17. Review status: criteria provided, single submitter. Criteria: Invitae Variant Classification Sherloc (09022015). Collection method: clinical testing. Allele origin: germline.
Comment: In summary, the available evidence is currently insufficient to determine the role of this variant in disease. Therefore, it has been classified as a Variant of Uncertain Significance. Nucleotide substitutions within the consensus splice site are a relatively common cause of aberrant splicing (PMID: 17576681, 9536098). Algorithms developed to predict the effect of sequence changes on RNA splicing suggest that this variant may disrupt the consensus splice site, but this prediction has not been confirmed by published transcriptional studies. This variant has not been reported in the literature in individuals with CWF19L1-related disease. This variant is not present in population databases (ExAC no frequency). This sequence change falls in intron 1 of the CWF19L1 gene. It does not directly change the encoded amino acid sequence of the CWF19L1 protein, but it affects a nucleotide within the consensus splice site of the intron.

Literature cited by the submitters: PubMed 17576681; PubMed 9536098.